The following is an entry in ClinVar:

NM_152564.5(VPS13B):c.6960A>G (p.Arg2320=)

Gene: VPS13B (vacuolar protein sorting 13 homolog B; plus strand). Cytogenetic location: 8q22.2.
Variant type: single nucleotide variant.
Coding change: c.6960A>G on transcript NM_152564.5 (MANE Select); coding-DNA position 6960, A replaced by G.
Protein change: p.Arg2320=; no amino-acid change (arginine 2320 retained).
Molecular consequence: synonymous variant.
Genome position (GRCh38, 1-based): chr8:99,720,957, A>G. VCF-style: chr8-99720957-A-G. GRCh37 (hg19) VCF-style: chr8-100733185-A-G.
Other names: c.6960A>G (NM_152564.4); c.7035A>G, p.Arg2345= (NM_017890.5).
Identifiers: ClinVar variation 1145235 (VCV001145235.11), dbSNP rs1238316814, ClinGen allele CA462441936.

ClinVar aggregate classification (germline): Likely benign. Review status: criteria provided, multiple submitters, no conflicts (2 of 4 stars). 2 submissions from 2 submitters: Likely benign (2). Last evaluated 2025-03-12.

Conditions:
Cohen syndrome (COH1). Also called: Cutis verticis gyrata, retinitis pigmentosa, and sensorineural deafness; PEPPER SYNDROME. Identifiers: Orphanet 193, MedGen C0265223, MONDO:0008999, OMIM 216550.
VPS13B-related disorder. Also called: VPS13B-related condition.

Allele frequency attached by ClinVar (database versions not stated): gnomAD exomes 0.00001.
gnomAD v4.1: 19 of 1,614,054 alleles (0.0012%); highest among the groups gnomAD compares: Non-Finnish European, 0.0013%; no homozygotes.

Submissions (2):

PreventionGenetics, part of Exact Sciences
Classification: Likely benign for VPS13B-related condition. Last evaluated: 2025-03-12. Review status: criteria provided, single submitter. Criteria: ACMG Guidelines, 2015. Collection method: clinical testing. Allele origin: germline.
Comment: This variant is classified as likely benign based on ACMG/AMP sequence variant interpretation guidelines (Richards et al. 2015 PMID: 25741868, with internal and published modifications).

Labcorp Genetics (formerly Invitae), Labcorp
Classification: Likely benign for Cohen syndrome. Last evaluated: 2023-10-13. Review status: criteria provided, single submitter. Criteria: Invitae Variant Classification Sherloc (09022015). Collection method: clinical testing. Allele origin: germline.